The following is an entry in ClinVar:

ClinVar aggregate classification (germline): Uncertain significance. Review status: criteria provided, multiple submitters, no conflicts (2 of 4 stars). 2 submissions from 2 submitters: Uncertain significance (2). Last evaluated 2025-11-19.

Conditions:
Inborn genetic diseases. Identifiers: MedGen C0950123, MeSH D030342.
3-hydroxy-3-methylglutaryl-CoA synthase deficiency (HMGCS2D). Also called: MITOCHONDRIAL HMG-CoA SYNTHASE DEFICIENCY; HMG-CoA synthase-2 deficiency; HMGCS2 DEFICIENCY. Identifiers: Orphanet 35701, MedGen C2751532, MONDO:0011614, OMIM 605911.

Submissions (2):

Ambry Genetics
Classification: Uncertain significance for Inborn genetic diseases. Last evaluated: 2025-11-19. Review status: criteria provided, single submitter. Criteria: Ambry Variant Classification Scheme 2023. Collection method: clinical testing. Allele origin: germline.

Labcorp Genetics (formerly Invitae), Labcorp
Classification: Uncertain significance for 3-hydroxy-3-methylglutaryl-CoA synthase deficiency. Last evaluated: 2022-08-16. Review status: criteria provided, single submitter. Criteria: Invitae Variant Classification Sherloc (09022015). Collection method: clinical testing. Allele origin: germline.
Comment: In summary, the available evidence is currently insufficient to determine the role of this variant in disease. Therefore, it has been classified as a Variant of Uncertain Significance. Algorithms developed to predict the effect of missense changes on protein structure and function are either unavailable or do not agree on the potential impact of this missense change (SIFT: "Deleterious"; PolyPhen-2: "Benign"; Align-GVGD: "Class C0"). ClinVar contains an entry for this variant (Variation ID: 1003176). This variant has not been reported in the literature in individuals affected with HMGCS2-related conditions. This variant is not present in population databases (gnomAD no frequency). This sequence change replaces arginine, which is basic and polar, with glycine, which is neutral and non-polar, at codon 35 of the HMGCS2 protein (p.Arg35Gly).

NM_005518.4(HMGCS2):c.103A>G (p.Arg35Gly)

Genes: HMGCS2 (3-hydroxy-3-methylglutaryl-CoA synthase 2; minus strand), LOC122094910 (Sharpr-MPRA regulatory region 1341; plus strand). Cytogenetic location: 1p12.
Variant type: single nucleotide variant.
Coding change: c.103A>G on transcript NM_005518.4 (MANE Select); coding-DNA position 103, A replaced by G.
Protein change: p.Arg35Gly; replaces arginine 35 with glycine.
Molecular consequence: missense variant.
Genome position (GRCh38, 1-based): chr1:119,768,742, T>C on the plus strand (A>G on the coding strand, the complement: HMGCS2 is on the minus strand). VCF-style: chr1-119768742-T-C. GRCh37 (hg19) VCF-style: chr1-120311365-T-C.
Other names: c.103A>G (NM_005518.3); c.103A>G, p.Arg35Gly (NM_001166107.1); short protein forms R35G.
Identifiers: ClinVar variation 1003176 (VCV001003176.9), dbSNP rs1653321576, ClinGen allele CA341869304.